The following is an entry in ClinVar:

NM_152564.5(VPS13B):c.2558del (p.Ile853fs)

Gene: VPS13B (vacuolar protein sorting 13 homolog B; plus strand). Cytogenetic location: 8q22.2.
Variant type: Deletion.
Coding change: c.2558del on transcript NM_152564.5 (MANE Select); coding-DNA position 2558, one base deleted (T; older notation c.2558delT).
Protein change: p.Ile853fs; shifts the reading frame from isoleucine 853.
Molecular consequence: frameshift variant.
Genome position (GRCh38, 1-based): chr8:99,274,240, T deleted. VCF-style (leftmost placement, unchanged base first): chr8-99274239-AT-A. GRCh37 (hg19) VCF-style: chr8-100286467-AT-A.
Other names: c.2558del, p.Ile853fs (NM_017890.5); short protein forms I853fs.
Identifiers: ClinVar variation 2697335 (VCV002697335.3), dbSNP rs2489223096, ClinGen allele CA2688062653.

ClinVar aggregate classification (germline): Pathogenic (1 of 4 stars; one submission).

Conditions:
Cohen syndrome (COH1). Also called: PEPPER SYNDROME; Cutis verticis gyrata, retinitis pigmentosa, and sensorineural deafness. Identifiers: Orphanet 193, MedGen C0265223, MONDO:0008999, OMIM 216550.

Allele frequency attached by ClinVar (database versions not stated): gnomAD exomes below 0.00001.

Submission:

Labcorp Genetics (formerly Invitae), Labcorp
Classification: Pathogenic for Cohen syndrome. Last evaluated: 2023-11-19. Review status: criteria provided, single submitter. Criteria: Invitae Variant Classification Sherloc (09022015). Collection method: clinical testing. Allele origin: germline.
Comment: This sequence change creates a premature translational stop signal (p.Ile853Thrfs*6) in the VPS13B gene. It is expected to result in an absent or disrupted protein product. Loss-of-function variants in VPS13B are known to be pathogenic (PMID: 15141358, 16648375, 20461111). This variant is not present in population databases (gnomAD no frequency). This variant has not been reported in the literature in individuals affected with VPS13B-related conditions. Algorithms developed to predict the effect of sequence changes on RNA splicing suggest that this variant may disrupt the consensus splice site. For these reasons, this variant has been classified as Pathogenic.

Literature cited by the submitters: PubMed 15141358; PubMed 16648375; PubMed 20461111.